The following is an entry in ClinVar:

NM_001371623.1(TCOF1):c.1761G>T (p.Gly587=)

Gene: TCOF1 (treacle ribosome biogenesis factor 1; plus strand). Cytogenetic location: 5q32.
Variant type: single nucleotide variant.
Coding change: c.1761G>T on transcript NM_001371623.1 (MANE Select); coding-DNA position 1761, G replaced by T.
Protein change: p.Gly587=; no amino-acid change (glycine 587 retained).
Molecular consequence: synonymous variant.
Genome position (GRCh38, 1-based): chr5:150,375,777, G>T. VCF-style: chr5-150375777-G-T. GRCh37 (hg19) VCF-style: chr5-149755340-G-T.
Other names: p.Gly587=; c.1530G>T, p.Gly510= (NM_000356.4, NM_001135245.2); c.1761G>T, p.Gly587= (NM_001008657.3, NM_001135243.2, NM_001135244.2 and 1 more transcripts).
Identifiers: ClinVar variation 130564 (VCV000130564.19), dbSNP rs7701163, ClinGen allele CA155661.

ClinVar aggregate classification (germline): Benign/Likely benign. Review status: criteria provided, multiple submitters, no conflicts (2 of 4 stars). 6 submissions from 6 submitters: Benign (4); Likely benign (1). 1 of the submissions does not count toward it. Last evaluated 2026-02-03.

Conditions:
Treacher Collins syndrome 1 (TCS1). Also called: TCOF1-Related Treacher Collins Syndrome. Identifiers: Orphanet 861, MedGen CN315775, MONDO:0007944, OMIM 154500.

Allele frequency attached by ClinVar (database versions not stated): ExAC 0.06794; 1000 Genomes Project 0.07248; 1000 Genomes Project 30x 0.07261; gnomAD 0.09176 and 0.09554; TOPMed 0.09470; ESP Exome Variant Server 0.10088.
gnomAD v4.1: 121,729 of 1,614,172 alleles (7.5%); highest among the groups gnomAD compares: African/African-American, 15%; 5,089 homozygotes.

Submissions (6):

Labcorp Genetics (formerly Invitae), Labcorp
Classification: Benign for Treacher Collins syndrome 1. Last evaluated: 2026-02-03. Review status: criteria provided, single submitter. Criteria: Invitae Variant Classification Sherloc (09022015). Collection method: clinical testing. Allele origin: germline.

Blueprint Genetics
Classification: Likely benign. Last evaluated: 2024-11-26. Review status: criteria provided, single submitter. Criteria: ACMG Guidelines, 2015. Collection method: clinical testing. Allele origin: germline.

Mayo Clinic Laboratories, Mayo Clinic
Classification: Benign. Last evaluated: 2020-12-04. Review status: criteria provided, single submitter. Criteria: ACMG Guidelines, 2015. Collection method: clinical testing. Allele origin: germline. Observed: 19 variant alleles.

GeneDx
Classification: Benign. Last evaluated: 2015-03-03. Review status: criteria provided, single submitter. Criteria: GeneDx Variant Classification Process June 2021. Collection method: clinical testing. Allele origin: germline. Affected: yes.

PreventionGenetics, part of Exact Sciences
Classification: Benign. Review status: criteria provided, single submitter. Criteria: ACMG Guidelines, 2015. Collection method: clinical testing. Allele origin: germline.

Genetic Services Laboratory, University of Chicago
Classification: Likely benign for AllHighlyPenetrant. Review status: no assertion criteria provided. Collection method: clinical testing. Allele origin: germline. Inheritance: Autosomal dominant inheritance. Not counted in ClinVar's aggregate classification.
Comment: Likely benign based on allele frequency in 1000 Genomes Project or ESP global frequency and its presence in a patient with a rare or unrelated disease phenotype. NOT Sanger confirmed.